The following is an entry in ClinVar:

NM_000553.6(WRN):c.3386T>C (p.Ile1129Thr)

Gene: WRN (WRN RecQ like helicase; plus strand). Cytogenetic location: 8p12.
Variant type: single nucleotide variant.
Coding change: c.3386T>C on transcript NM_000553.6 (MANE Select); coding-DNA position 3386, T replaced by C.
Protein change: p.Ile1129Thr; replaces isoleucine 1129 with threonine.
Molecular consequence: missense variant.
Genome position (GRCh38, 1-based): chr8:31,147,055, T>C. VCF-style: chr8-31147055-T-C. GRCh37 (hg19) VCF-style: chr8-31004571-T-C.
Other names: short protein forms I1129T.
Identifiers: ClinVar variation 1051043 (VCV001051043.1), dbSNP rs761932192, ClinGen allele CA174904558.
Genomic context (GRCh38, chr8:31,147,055, plus strand): 5'-GAAAGTCAATGAGGAGAAAGAAAAGCTTTTATTATTTATTTTCTTTTAAATATTTTAGTA[T>C]CATGGTACAGTCACCAGAAAAAGCTTACAGTTCCTCACAGCCTGTTATTTCGGCACAAGA-3'
Protein context (NP_000544.2, residues 1119-1139): SSGSNISKKS[Ile1129Thr]MVQSPEKAYS

ClinVar aggregate classification (germline): Uncertain significance (1 of 4 stars; one submission).

Conditions:
Werner syndrome (WRN). Identifiers: Orphanet 902, MedGen C0043119, MONDO:0010196, OMIM 277700.

gnomAD v4.1: 1 of 1,611,848 alleles (0.000062%); highest among the groups gnomAD compares: Non-Finnish European, 0.000085%; no homozygotes.

Submission:

Labcorp Genetics (formerly Invitae), Labcorp
Classification: Uncertain significance for Werner syndrome. Last evaluated: 2020-06-28. Review status: criteria provided, single submitter. Criteria: Invitae Variant Classification Sherloc (09022015). Collection method: clinical testing. Allele origin: germline.
Comment: This sequence change replaces isoleucine with threonine at codon 1129 of the WRN protein (p.Ile1129Thr). The isoleucine residue is weakly conserved and there is a moderate physicochemical difference between isoleucine and threonine. This variant is not present in population databases (ExAC no frequency). This variant has not been reported in the literature in individuals with WRN-related conditions. Algorithms developed to predict the effect of missense changes on protein structure and function output the following: SIFT: Not Available; PolyPhen-2: Benign; Align-GVGD: Not Available. The threonine amino acid residue is found in multiple mammalian species, suggesting that this missense change does not adversely affect protein function. These predictions have not been confirmed by published functional studies and their clinical significance is uncertain. In summary, the available evidence is currently insufficient to determine the role of this variant in disease. Therefore, it has been classified as a Variant of Uncertain Significance.